The following is an entry in ClinVar:

ClinVar aggregate classification (germline): Pathogenic (1 of 4 stars; one submission).

Conditions:
Tay-Sachs disease (TSD). Also called: GM2 gangliosidosis, type 1; Hexosaminidase alpha-subunit deficiency (variant B); Sphingolipidosis, Tay-Sachs; HEXA Disorders; HEXA DEFICIENCY; Hexosaminidase A Deficiency. Identifiers: Orphanet 845, MedGen C0039373, MONDO:0010100, OMIM 272800.

Submission:

Labcorp Genetics (formerly Invitae), Labcorp
Classification: Pathogenic for Tay-Sachs disease. Last evaluated: 2020-01-13. Review status: criteria provided, single submitter. Criteria: Invitae Variant Classification Sherloc (09022015). Collection method: clinical testing. Allele origin: germline.
Comment: For these reasons, this variant has been classified as Pathogenic. Loss-of-function variants in HEXA are known to be pathogenic (PMID: 1833974, 8490625). This variant has not been reported in the literature in individuals with HEXA-related conditions. This variant is an out-of-frame deletion of the genomic region encompassing exons 6-7 of the HEXA gene. This is expected to create a premature translational stop signal and result in an absent or disrupted protein product.

Literature cited by the submitters: PubMed 1833974; PubMed 8490625.

NC_000015.10:g.(?_72350508)_(72351244_?)del

Gene: HEXA (hexosaminidase subunit alpha; minus strand). Cytogenetic location: 15q23.
Variant type: Deletion.
Identifiers: ClinVar variation 831688 (VCV000831688.5).